The following is an entry in ClinVar:

NM_003842.5(TNFRSF10B):c.572T>C (p.Val191Ala)

Gene: TNFRSF10B (TNF receptor superfamily member 10b; minus strand). Cytogenetic location: 8p21.3.
Variant type: single nucleotide variant.
Coding change: c.572T>C on transcript NM_003842.5 (MANE Select); coding-DNA position 572, T replaced by C.
Protein change: p.Val191Ala; replaces valine 191 with alanine.
Molecular consequence: missense variant. On other transcripts: intron variant (1).
Genome position (GRCh38, 1-based): chr8:23,028,507, A>G on the plus strand (T>C on the coding strand, the complement: TNFRSF10B is on the minus strand). VCF-style: chr8-23028507-A-G. GRCh37 (hg19) VCF-style: chr8-22886020-A-G.
Other names: c.550+22T>C (NM_147187.3); short protein forms V191A.
Identifiers: ClinVar variation 3059674 (VCV003059674.2), dbSNP rs13265018, ClinGen allele CA4673293.
Genomic context (GRCh38, chr8:23,028,507, plus strand): 5'-AGAGAACAGGGAGAGGCAGGAGTCCCTGGGCTGGAGGTCACCGTCTCCTCCACAGCTGGG[A>G]CTTCCCCACTGTGCTTTGTACCTGATTCTTTGTGGACACATTCGATGTCACTCCAGGGTG-3'
Protein context (NP_003833.4, residues 181-201): KESGTKHSGE[Val191Ala]PAVEETVTSS

ClinVar aggregate classification (germline): Benign (0 of 4 stars; one submission).

Conditions:
TNFRSF10B-related disorder. Also called: TNFRSF10B-related condition.

Allele frequency attached by ClinVar (database versions not stated): TOPMed 0.84882; ESP Exome Variant Server 0.85361; 1000 Genomes Project 30x 0.85540; gnomAD 0.85787; 1000 Genomes Project 0.86282; ExAC 0.88991; gnomAD exomes 0.89431.
gnomAD v4.1: 1,437,483 of 1,614,022 alleles (89%); highest among the groups gnomAD compares: East Asian, 98%; 641,531 homozygotes.

Submission:

PreventionGenetics, part of Exact Sciences
Classification: Benign for TNFRSF10B-related condition. Last evaluated: 2019-09-24. Review status: no assertion criteria provided. Collection method: clinical testing. Allele origin: germline.
Comment: This variant is classified as benign based on ACMG/AMP sequence variant interpretation guidelines (Richards et al. 2015 PMID: 25741868, with internal and published modifications).